The following is an entry in ClinVar:

ClinVar aggregate classification (germline): Uncertain significance. Review status: criteria provided, multiple submitters, no conflicts (2 of 4 stars). 3 submissions from 3 submitters: Uncertain significance (3). Last evaluated 2025-11-24.

Conditions:
Inborn genetic diseases. Identifiers: MedGen C0950123, MeSH D030342.

Allele frequency attached by ClinVar (database versions not stated): ExAC 0.00001; gnomAD 0.00001; gnomAD exomes 0.00001; TOPMed 0.00002.
gnomAD v4.1: 17 of 1,613,618 alleles (0.0011%); highest among the groups gnomAD compares: Non-Finnish European, 0.0014%; no homozygotes.

Submissions (3):

Labcorp Genetics (formerly Invitae), Labcorp
Classification: Uncertain significance. Last evaluated: 2025-11-24. Review status: criteria provided, single submitter. Criteria: Invitae Variant Classification Sherloc (09022015). Collection method: clinical testing. Allele origin: germline.
Comment: This sequence change replaces alanine, which is neutral and non-polar, with valine, which is neutral and non-polar, at codon 591 of the ARHGEF18 protein (p.Ala591Val). This variant is present in population databases (rs770213213, gnomAD 0.007%). This variant has not been reported in the literature in individuals affected with ARHGEF18-related conditions. ClinVar contains an entry for this variant (Variation ID: 1356557). An algorithm developed to predict the effect of missense changes on protein structure and function (PolyPhen-2) suggests that this variant is likely to be disruptive. In summary, the available evidence is currently insufficient to determine the role of this variant in disease. Therefore, it has been classified as a Variant of Uncertain Significance.

Ambry Genetics
Classification: Uncertain significance for Inborn genetic diseases. Last evaluated: 2024-12-06. Review status: criteria provided, single submitter. Criteria: Ambry Variant Classification Scheme 2023. Collection method: clinical testing. Allele origin: germline.

Blueprint Genetics
Classification: Uncertain significance. Last evaluated: 2022-12-01. Review status: criteria provided, single submitter. Criteria: ACMG Guidelines, 2015. Collection method: clinical testing. Allele origin: germline.

NM_001367823.1(ARHGEF18):c.2336C>T (p.Ala779Val)

Gene: ARHGEF18 (Rho/Rac guanine nucleotide exchange factor 18; plus strand). Cytogenetic location: 19p13.2.
Variant type: single nucleotide variant.
Coding change: c.2336C>T on transcript NM_001367823.1 (MANE Select); coding-DNA position 2336, C replaced by T.
Protein change: p.Ala779Val; replaces alanine 779 with valine.
Molecular consequence: missense variant.
Genome position (GRCh38, 1-based): chr19:7,458,666, C>T. VCF-style: chr19-7458666-C-T. GRCh37 (hg19) VCF-style: chr19-7523552-C-T.
Other names: c.1610C>T, p.Ala537Val (NM_001130955.2); c.1298C>T, p.Ala433Val (NM_001367824.1, NM_015318.4); c.1772C>T (NM_001130955.1); short protein forms A537V, A779V, A433V.
Identifiers: ClinVar variation 1356557 (VCV001356557.10), dbSNP rs770213213, ClinGen allele CA9136788.
Genomic context (GRCh38, chr19:7,458,666, plus strand): 5'-AAGGGCCGGAGATGTATGAAATCTACACGAGCTCCAAAGAGGACAGGAACGCCTGGATGG[C>T]CCACATCCAAAGGGCTGTGGAGAGGTGAGGAGGGCCTGGGGGTCTCCCCACCCACTGTGT-3'
Protein context (NP_001354752.1, residues 769-789): SSKEDRNAWM[Ala779Val]HIQRAVESCP